The following is an entry in ClinVar:

NM_000306.4(POU1F1):c.770T>C (p.Val257Ala)

Gene: POU1F1 (POU class 1 homeobox 1; minus strand). Cytogenetic location: 3p11.2.
Variant type: single nucleotide variant.
Coding change: c.770T>C on transcript NM_000306.4 (MANE Select); coding-DNA position 770, T replaced by C.
Protein change: p.Val257Ala; replaces valine 257 with alanine.
Molecular consequence: missense variant.
Genome position (GRCh38, 1-based): chr3:87,260,000, A>G on the plus strand (T>C on the coding strand, the complement: POU1F1 is on the minus strand). VCF-style: chr3-87260000-A-G. GRCh37 (hg19) VCF-style: chr3-87309150-A-G.
Other names: c.848T>C, p.Val283Ala (NM_001122757.3); short protein forms V283A, V257A.
Identifiers: ClinVar variation 3731169 (VCV003731169.1).

ClinVar aggregate classification (germline): Uncertain significance (1 of 4 stars; one submission).

Submission:

GeneDx
Classification: Uncertain significance. Last evaluated: 2024-08-12. Review status: criteria provided, single submitter. Criteria: GeneDx Variant Classification Process June 2021. Collection method: clinical testing. Allele origin: germline. Affected: yes.
Comment: Not observed at significant frequency in large population cohorts (gnomAD); In silico analysis supports that this missense variant has a deleterious effect on protein structure/function; Has not been previously published as pathogenic or benign to our knowledge